The following is an entry in ClinVar:

ClinVar aggregate classification (germline): Uncertain significance (1 of 4 stars; one submission).

Submission:

CeGaT Center for Human Genetics Tuebingen
Classification: Uncertain significance. Last evaluated: 2025-11-01. Review status: criteria provided, single submitter. Criteria: CeGaT Center For Human Genetics Tuebingen Variant Classification Criteria Version 2. Collection method: clinical testing. Allele origin: germline. Affected: yes. Observed: 1 variant allele.
Comment: TBL1X: PM2

NM_005647.4(TBL1X):c.1373A>G (p.Tyr458Cys)

Gene: TBL1X (transducin beta like 1 X-linked; plus strand). Cytogenetic location: Xp22.2.
Variant type: single nucleotide variant.
Coding change: c.1373A>G on transcript NM_005647.4 (MANE Select); coding-DNA position 1373, A replaced by G.
Protein change: p.Tyr458Cys; replaces tyrosine 458 with cysteine.
Molecular consequence: missense variant.
Genome position (GRCh38, 1-based): chrX:9,709,694, A>G. VCF-style: chrX-9709694-A-G. GRCh37 (hg19) VCF-style: chrX-9677734-A-G.
Other names: c.1373A>G, p.Tyr458Cys (NM_001139466.1); c.1220A>G, p.Tyr407Cys (NM_001139467.1, NM_001139468.1); short protein forms Y407C, Y458C.
Identifiers: ClinVar variation 4535223 (VCV004535223.6).